The following is an entry in ClinVar:

ClinVar aggregate classification (germline): Uncertain significance (1 of 4 stars; one submission).

Allele frequency attached by ClinVar (database versions not stated): TOPMed below 0.00001.

Submission:

Labcorp Genetics (formerly Invitae), Labcorp
Classification: Uncertain significance. Last evaluated: 2022-03-05. Review status: criteria provided, single submitter. Criteria: Invitae Variant Classification Sherloc (09022015). Collection method: clinical testing. Allele origin: germline.
Comment: This sequence change replaces glutamine, which is neutral and polar, with leucine, which is neutral and non-polar, at codon 363 of the TBX20 protein (p.Gln363Leu). This variant is not present in population databases (gnomAD no frequency). This variant has not been reported in the literature in individuals affected with TBX20-related conditions. Algorithms developed to predict the effect of missense changes on protein structure and function are either unavailable or do not agree on the potential impact of this missense change (SIFT: "Deleterious"; PolyPhen-2: "Benign"; Align-GVGD: "Class C0"). In summary, the available evidence is currently insufficient to determine the role of this variant in disease. Therefore, it has been classified as a Variant of Uncertain Significance.

NM_001077653.2(TBX20):c.1088A>T (p.Gln363Leu)

Gene: TBX20 (T-box transcription factor 20; minus strand). Cytogenetic location: 7p14.2.
Variant type: single nucleotide variant.
Coding change: c.1088A>T on transcript NM_001077653.2 (MANE Select); coding-DNA position 1088, A replaced by T.
Protein change: p.Gln363Leu; replaces glutamine 363 with leucine.
Molecular consequence: missense variant.
Genome position (GRCh38, 1-based): chr7:35,202,686, T>A on the plus strand (A>T on the coding strand, the complement: TBX20 is on the minus strand). VCF-style: chr7-35202686-T-A. GRCh37 (hg19) VCF-style: chr7-35242298-T-A.
Other names: short protein forms Q363L.
Identifiers: ClinVar variation 2107177 (VCV002107177.4), dbSNP rs781147575, ClinGen allele CA367263232.
Genomic context (GRCh38, chr7:35,202,686, plus strand): 5'-ATGGGGTGAGGAATGGGTGTTGCTATGGATGCTGTGCTGGTGCCAAGAGCAGTCAGGGAC[T>A]GTGGGTGCTGAAACCCAGGAAAACTGGAAGAAGATGATACCCAGGAGCTGAGAGACAAAT-3'
Protein context (NP_001071121.1, residues 353-373): SSSFPGFQHP[Gln363Leu]SLTALGTSTA